The following is an entry in ClinVar:

ClinVar aggregate classification (germline): Uncertain significance. Review status: criteria provided, multiple submitters, no conflicts (2 of 4 stars). 2 submissions from 2 submitters: Uncertain significance (2). Last evaluated 2023-11-01.

Submissions (2):

CeGaT Center for Human Genetics Tuebingen
Classification: Uncertain significance. Last evaluated: 2023-11-01. Review status: criteria provided, single submitter. Criteria: CeGaT Center For Human Genetics Tuebingen Variant Classification Criteria Version 2. Collection method: clinical testing. Allele origin: germline. Affected: yes. Observed: 1 variant allele.
Comment: TAF1: PM2

GeneDx
Classification: Uncertain significance. Last evaluated: 2021-09-30. Review status: criteria provided, single submitter. Criteria: GeneDx Variant Classification Process June 2021. Collection method: clinical testing. Allele origin: germline. Affected: yes.
Comment: Not observed in large population cohorts (Lek et al., 2016); In silico analysis supports that this missense variant has a deleterious effect on protein structure/function; Has not been previously published as pathogenic or benign to our knowledge

NM_004606.5(TAF1):c.1840C>T (p.Arg614Trp)

Gene: TAF1 (TATA-box binding protein associated factor 1; plus strand). Cytogenetic location: Xq13.1.
Variant type: single nucleotide variant.
Coding change: c.1840C>T on transcript NM_004606.5 (MANE Select); coding-DNA position 1840, C replaced by T.
Protein change: p.Arg614Trp; replaces arginine 614 with tryptophan.
Molecular consequence: missense variant. On other transcripts: non-coding transcript variant (9).
Genome position (GRCh38, 1-based): chrX:71,383,057, C>T. VCF-style: chrX-71383057-C-T. GRCh37 (hg19) VCF-style: chrX-70602907-C-T.
Other names: c.1840C>T, p.Arg614Trp (NM_001286074.2); c.1777C>T, p.Arg593Trp (NM_138923.4); short protein forms R593W, R614W.
Identifiers: ClinVar variation 1300972 (VCV001300972.25), dbSNP rs761432903, ClinGen allele CA331010555.
Genomic context (GRCh38, chrX:71,383,057, plus strand): 5'-ATTCCTGCTGTGGAATTACGGCAGCCCTTCTTTCCCACCCACATGGGGCCCATCAAACTC[C>T]GGCAGTTCCATCGCCCACCTCTGAAAAAGTACTCATTTGGTGCACTTTCTCAGCCAGGTC-3'
Protein context (NP_004597.3, residues 604-624): FPTHMGPIKL[Arg614Trp]QFHRPPLKKY